The following is an entry in ClinVar:

ClinVar aggregate classification (germline): Uncertain significance. Review status: criteria provided, multiple submitters, no conflicts (2 of 4 stars). 2 submissions from 2 submitters: Uncertain significance (2). Last evaluated 2025-04-07.

Allele frequency attached by ClinVar (database versions not stated): ExAC 0.00008; gnomAD exomes 0.00008 and 0.00011; gnomAD 0.00009 and 0.00010; TOPMed 0.00014; 1000 Genomes Project 0.00020; 1000 Genomes Project 30x 0.00031.
gnomAD v4.1: 127 of 1,556,006 alleles (0.0082%); highest among the groups gnomAD compares: Admixed American, 0.038%; no homozygotes.

Submissions (2):

Labcorp Genetics (formerly Invitae), Labcorp
Classification: Uncertain significance. Last evaluated: 2025-04-07. Review status: criteria provided, single submitter. Criteria: Invitae Variant Classification Sherloc (09022015). Collection method: clinical testing. Allele origin: germline.
Comment: This sequence change replaces leucine, which is neutral and non-polar, with phenylalanine, which is neutral and non-polar, at codon 361 of the GEN1 protein (p.Leu361Phe). This variant is present in population databases (rs200275164, gnomAD 0.03%). This variant has not been reported in the literature in individuals affected with GEN1-related conditions. ClinVar contains an entry for this variant (Variation ID: 965719). An algorithm developed to predict the effect of missense changes on protein structure and function outputs the following: PolyPhen-2: "Benign". The phenylalanine amino acid residue is found in multiple mammalian species, which suggests that this missense change does not adversely affect protein function. In summary, the available evidence is currently insufficient to determine the role of this variant in disease. Therefore, it has been classified as a Variant of Uncertain Significance.

Ambry Genetics
Classification: Uncertain significance. Last evaluated: 2024-11-23. Review status: criteria provided, single submitter. Criteria: Ambry Variant Classification Scheme 2023. Collection method: clinical testing. Allele origin: germline.
Comment: The p.L361F variant (also known as c.1081C>T), located in coding exon 10 of the GEN1 gene, results from a C to T substitution at nucleotide position 1081. The leucine at codon 361 is replaced by phenylalanine, an amino acid with highly similar properties. This amino acid position is conserved. In addition, this alteration is predicted to be tolerated by in silico analysis. Based on the available evidence, the clinical significance of this variant remains unclear.

NM_001130009.3(GEN1):c.1081C>T (p.Leu361Phe)

Gene: GEN1 (GEN1 structure-specific endonuclease; plus strand). Cytogenetic location: 2p24.2.
Variant type: single nucleotide variant.
Coding change: c.1081C>T on transcript NM_001130009.3 (MANE Select); coding-DNA position 1081, C replaced by T.
Protein change: p.Leu361Phe; replaces leucine 361 with phenylalanine.
Molecular consequence: missense variant.
Genome position (GRCh38, 1-based): chr2:17,774,280, C>T. VCF-style: chr2-17774280-C-T. GRCh37 (hg19) VCF-style: chr2-17955547-C-T.
Other names: c.1081C>T, p.Leu361Phe (NM_182625.5); c.1081C>T (NM_001130009.1); short protein forms L361F.
Identifiers: ClinVar variation 965719 (VCV000965719.11), dbSNP rs200275164, ClinGen allele CA1540665.